The following is an entry in ClinVar:

NM_004006.3(DMD):c.2274C>T (p.Asp758=)

Gene: DMD (dystrophin; minus strand). Cytogenetic location: Xp21.1.
Variant type: single nucleotide variant.
Coding change: c.2274C>T on transcript NM_004006.3 (MANE Select); coding-DNA position 2274, C replaced by T.
Protein change: p.Asp758=; no amino-acid change (aspartic acid 758 retained).
Molecular consequence: synonymous variant.
Genome position (GRCh38, 1-based): chrX:32,518,026, G>A on the plus strand (C>T on the coding strand, the complement: DMD is on the minus strand). VCF-style: chrX-32518026-G-A. GRCh37 (hg19) VCF-style: chrX-32536143-G-A.
Other names: c.2250C>T, p.Asp750= (NM_000109.4); c.2262C>T, p.Asp754= (NM_004009.3); c.1905C>T, p.Asp635= (NM_004010.3).
Identifiers: ClinVar variation 4822467 (VCV004822467.4).

ClinVar aggregate classification (germline): Likely benign (1 of 4 stars; one submission).

gnomAD v4.1: 5 of 1,210,110 alleles (0.00041%); highest among the groups gnomAD compares: Non-Finnish European, 0.00056%; no homozygotes.

Submission:

CeGaT Center for Human Genetics Tuebingen
Classification: Likely benign. Last evaluated: 2026-02-01. Review status: criteria provided, single submitter. Criteria: CeGaT Center For Human Genetics Tuebingen Variant Classification Criteria Version 2. Collection method: clinical testing. Allele origin: germline. Affected: yes. Observed: 1 variant allele.
Comment: DMD: BP4, BP7